The following is an entry in ClinVar:

ClinVar aggregate classification (germline): Conflicting classifications of pathogenicity. Review status: criteria provided, conflicting classifications (1 of 4 stars). 15 submissions from 15 submitters: Uncertain significance (11); Likely benign (1). 3 of the submissions do not count toward it. Last evaluated 2026-07-01.

Conditions:
CFTR-related disorder (CFTR-RD). Also called: CFTR-related disorders; CFTR-related condition. Identifiers: MedGen C5924204, MONDO:7770004.
Bronchiectasis with or without elevated sweat chloride 1 (BESC1). Also called: Cystic Fibrosis-Like Syndrome. Identifiers: Orphanet 60033, MedGen C2749757, MONDO:0008887, OMIM 211400.
Hereditary pancreatitis (PCTT). Also called: Hereditary chronic pancreatitis; PRSS1-Related Hereditary Pancreatitis. Identifiers: Orphanet 676, MedGen C0238339, MONDO:0008185, OMIM 167800.
Cystic fibrosis (CF). Also called: MUCOVISCIDOSIS. Identifiers: Orphanet 586, MedGen C0010674, MONDO:0009061, OMIM 219700. Disease mechanism: loss of function.
Congenital bilateral aplasia of vas deferens from CFTR mutation (CBAVD). Identifiers: Orphanet 48, MedGen C0403814, MONDO:0010178, OMIM 277180. Disease mechanism: loss of function.

Allele frequency attached by ClinVar (database versions not stated): gnomAD 0.00006 and 0.00008; 1000 Genomes Project 30x 0.00016; TOPMed 0.00008; ExAC 0.00013; gnomAD exomes 0.00005 and 0.00010; 1000 Genomes Project 0.00020.
gnomAD v4.1: 90 of 1,613,268 alleles (0.0056%); highest among the groups gnomAD compares: East Asian, 0.1%; no homozygotes.

Submissions (15):

CeGaT Center for Human Genetics Tuebingen
Classification: Uncertain significance. Last evaluated: 2026-07-01. Review status: criteria provided, single submitter. Criteria: CeGaT Center For Human Genetics Tuebingen Variant Classification Criteria Version 2. Collection method: clinical testing. Allele origin: germline. Affected: yes. Observed: 2 variant alleles.
Comment: CFTR: PM2, PM3:Supporting, BP4

Women's Health and Genetics/Laboratory Corporation of America, LabCorp
Classification: Uncertain significance. Last evaluated: 2025-11-11. Review status: criteria provided, single submitter. Criteria: LabCorp Variant Classification Summary - May 2015. Collection method: clinical testing. Allele origin: germline.
Comment: Variant summary: CFTR c.3659C>T (p.Thr1220Ile) results in a non-conservative amino acid change located in the ABC transporter-like, ATP-binding domain (IPR003439) of the encoded protein sequence. Algorithms developed to predict the effect of missense changes on protein structure and function are either unavailable or do not agree on the potential impact of this missense change. The variant allele was found at a frequency of 0.0001 in 250238 control chromosomes. This frequency is not significantly higher than estimated for a pathogenic variant in CFTR causing Cystic Fibrosis (0.0001 vs 0.013), allowing no conclusion about variant significance. c.3659C>T has been reported in the literature in individuals affected with Cystic Fibrosis and CFTR-related disorders without strong evidence for causality (e.g. Ghanem_1994, Lazaro_1999, Onay_1998, Bozdogan_2021, Li_2022, Luo_2021, Xiao_2017, Fujita_2022, Qiao_2018, Ni_2022, Shen_2022). These reports do not provide unequivocal conclusions about association of the variant with Cystic Fibrosis. At least one publication reports experimental evidence evaluating an impact on protein function. The most pronounced variant effect resulted in approximately 70% of normal chloride channel conductance relative to wild type (e.g., Bihler_2024). The following publications have been ascertained in the context of this evaluation (PMID: 38388235, 33572515, 35387941, 18716917, 7522211, 9272738, 10571949, 34931337, 32777524, 35313924, 9521595, 30060175, 35858753, 12651880, 29173301, 26471113). ClinVar contains an entry for this variant (Variation ID: 7214). Based on the evidence outlined above, the variant was classified as uncertain significance.

Ambry Genetics
Classification: Likely benign for Cystic fibrosis. Last evaluated: 2024-12-20. Review status: criteria provided, single submitter. Criteria: Ambry Variant Classification Scheme 2023. Collection method: clinical testing. Allele origin: germline.

GeneDx
Classification: Uncertain significance. Last evaluated: 2024-12-06. Review status: criteria provided, single submitter. Criteria: GeneDx Variant Classification Process June 2021. Collection method: clinical testing. Allele origin: germline. Affected: yes.
Comment: Reported in a child with cystic fibrosis however a causative CFTR variant on the other allele was not identified (PMID: 35858753); In silico analysis indicates that this missense variant does not alter protein structure/function; This variant is associated with the following publications: (PMID: 29173301, 18716917, 32777524, 34931337, 29368589, 33572515, 30060175, 7522211, 9272738, 26471113, 35387941, 10571949, 12651880, 35313924, 35858753)

Labcorp Genetics (formerly Invitae), Labcorp
Classification: Uncertain significance for Cystic fibrosis. Last evaluated: 2024-11-04. Review status: criteria provided, single submitter. Criteria: Invitae Variant Classification Sherloc (09022015). Collection method: clinical testing. Allele origin: germline.
Comment: This sequence change replaces threonine, which is neutral and polar, with isoleucine, which is neutral and non-polar, at codon 1220 of the CFTR protein (p.Thr1220Ile). This variant is present in population databases (rs1800123, gnomAD 0.09%). This missense change has been observed in individual(s) with CFTR-related conditions (PMID: 7522211, 9272738, 9521595, 29173301, 32777524). ClinVar contains an entry for this variant (Variation ID: 7214). Invitae Evidence Modeling of protein sequence and biophysical properties (such as structural, functional, and spatial information, amino acid conservation, physicochemical variation, residue mobility, and thermodynamic stability) indicates that this missense variant is not expected to disrupt CFTR protein function with a negative predictive value of 80%. In summary, the available evidence is currently insufficient to determine the role of this variant in disease. Therefore, it has been classified as a Variant of Uncertain Significance.

Mayo Clinic Laboratories, Mayo Clinic
Classification: Uncertain significance. Last evaluated: 2023-12-18. Review status: criteria provided, single submitter. Criteria: ACMG Guidelines, 2015. Collection method: clinical testing. Allele origin: germline. Observed: 1 variant allele.

Institute of Human Genetics, University of Leipzig Medical Center
Classification: Uncertain significance for Cystic fibrosis. Last evaluated: 2022-09-05. Review status: criteria provided, single submitter. Criteria: ACMG Guidelines, 2015. Collection method: curation. Allele origin: unknown. Affected: yes. Observed: 1 variant allele.
Comment: The variant was classified in the context of a project re-classifying variants in the German Cystic Fibrosis Registry (Muko.e.V.). Criteria applied: PM2_SUP, PM3, PP4, BP4

Genome-Nilou Lab
Classification: Uncertain significance for Cystic fibrosis. Last evaluated: 2021-07-14. Review status: criteria provided, single submitter. Criteria: ACMG Guidelines, 2015. Collection method: clinical testing. Allele origin: germline. Affected: no.

ARUP Laboratories, Molecular Genetics and Genomics, ARUP Laboratories
Classification: Uncertain significance. Last evaluated: 2020-12-11. Review status: criteria provided, single submitter. Criteria: ARUP Molecular Germline Variant Investigation Process 2021. Collection method: clinical testing. Allele origin: germline.
Comment: The CFTR c.3659C>T; p.Thr1220Ile variant (rs1800123) is reported in the literature in individuals with a clinical diagnosis of cystic fibrosis or asthma (Ghanem 1994, Lazaro 1999, Onay 1998, Xiao 2017). This variant is also reported in ClinVar (Variation ID: 7214). This variant is found in the East Asian population with an allele frequency of 0.085% (17/19,904 alleles) in the Genome Aggregation Database. The threonine at codon 1220 is weakly conserved, and computational analyses are uncertain whether this variant is neutral or deleterious (REVEL: 0.40). Given the lack of clinical and functional data, the significance of the p.Thr1220Ile variant is uncertain at this time. References: Ghanem N et al. Identification of eight mutations and three sequence variations in the cystic fibrosis transmembrane conductance regulator (CFTR) gene. Genomics. 1994. 21(2):434-6. Lazaro C et al. Missense mutations in the cystic fibrosis gene in adult patients with asthma. Hum Mutat. 1999. 14(6):510-9. Onay T et al. Analysis of the CFTR gene in Turkish cystic fibrosis patients: identification of three novel mutations (3172delAC, P1013L and M1028I). Hum Genet. 1998. 102(2):224-30. Xiao Y et al. Targeted Gene Next-Generation Sequencing in Chinese Children with Chronic Pancreatitis and Acute Recurrent Pancreatitis. J Pediatr. 2017 Dec;191:158-163.e3.

Eurofins Ntd Llc (ga)
Classification: Uncertain significance. Last evaluated: 2018-04-19. Review status: criteria provided, single submitter. Criteria: EGL ClinVar v180209 classification definitions. Collection method: clinical testing. Allele origin: germline. Observed: 1 variant allele, 1 heterozygote.

Breakthrough Genomics
Classification: Uncertain significance. Review status: criteria provided, single submitter. Criteria: ACMG Guidelines, 2015. Collection method: not provided. Allele origin: germline. Inheritance: Autosomal recessive inheritance. Affected: yes.

Juno Genomics, Hangzhou Juno Genomics, Inc
Classification: Uncertain significance for Bronchiectasis with or without elevated sweat chloride 1; Hereditary pancreatitis; Congenital bilateral aplasia of vas deferens from CFTR mutation; Cystic fibrosis. Review status: criteria provided, single submitter. Criteria: ACMG Guidelines, 2015. Collection method: clinical testing. Allele origin: germline.
Comment: For recessive disorders, detected in trans with a pathogenic variant.;Patient's phenotype or family history is highly specific for a disease with a single genetic etiology.

PreventionGenetics, part of Exact Sciences
Classification: Uncertain significance for CFTR-related condition. Last evaluated: 2024-07-08. Review status: no assertion criteria provided. Collection method: clinical testing. Allele origin: germline. Not counted in ClinVar's aggregate classification.
Comment: The CFTR c.3659C>T variant is predicted to result in the amino acid substitution p.Thr1220Ile. This variant was detected in the compound heterozygous state in an individual with uncharacterized bronchopathy (Ghanem et al. 1994. PubMed ID: 7522211), and in the heterozygous state in a patient with gastrointestinal problems and a sweat test score of 75 mEq/l, a patient with asthma, and in a patient with pancreatitis alongside variants in the SPINK1 and PRSS1 genes (Onay et al. 1998. PubMed ID: 9521595; Lázaro et al. 1999. PubMed ID: 10571949; and Xiao et al. 2017. PubMed ID: 29173301, respectively). This variant is reported in 0.085% of alleles in individuals of East Asian descent in gnomAD. At this time, the clinical significance of this variant is uncertain due to the absence of conclusive functional and genetic evidence.

Natera, Inc.
Classification: Uncertain significance for Cystic Fibrosis. Last evaluated: 2018-04-28. Review status: no assertion criteria provided. Collection method: clinical testing. Allele origin: germline. Not counted in ClinVar's aggregate classification.

OMIM
Classification: Pathogenic for CYSTIC FIBROSIS. Last evaluated: 1994-05-15. Review status: no assertion criteria provided. Collection method: literature only. Allele origin: germline. Not counted in ClinVar's aggregate classification.

Literature cited by the submitters: PubMed 7522211 (cited by 5 submitters); PubMed 18716917 (cited by Women's Health and Genetics/Laboratory Corporation of America, LabCorp); PubMed 9521595 (cited by Women's Health and Genetics/Laboratory Corporation of America, LabCorp and Labcorp Genetics (formerly Invitae), Labcorp); PubMed 12651880 (cited by Women's Health and Genetics/Laboratory Corporation of America, LabCorp); PubMed 9272738 (cited by Women's Health and Genetics/Laboratory Corporation of America, LabCorp and Labcorp Genetics (formerly Invitae), Labcorp); PubMed 10571949 (cited by Women's Health and Genetics/Laboratory Corporation of America, LabCorp and Mayo Clinic Laboratories, Mayo Clinic); PubMed 26471113 (cited by Women's Health and Genetics/Laboratory Corporation of America, LabCorp and Eurofins Ntd Llc (ga)); PubMed 29173301 (cited by 5 submitters); PubMed 33572515 (cited by Women's Health and Genetics/Laboratory Corporation of America, LabCorp and Mayo Clinic Laboratories, Mayo Clinic); PubMed 32777524 (cited by 3 submitters); PubMed 35313924 (cited by Women's Health and Genetics/Laboratory Corporation of America, LabCorp); PubMed 34931337 (cited by Women's Health and Genetics/Laboratory Corporation of America, LabCorp and Mayo Clinic Laboratories, Mayo Clinic); PubMed 35387941 (cited by Women's Health and Genetics/Laboratory Corporation of America, LabCorp and Mayo Clinic Laboratories, Mayo Clinic); PubMed 30060175 (cited by Women's Health and Genetics/Laboratory Corporation of America, LabCorp and Mayo Clinic Laboratories, Mayo Clinic); PubMed 35858753 (cited by 3 submitters); PubMed 38388235 (cited by Women's Health and Genetics/Laboratory Corporation of America, LabCorp); PubMed 29368589 (cited by Mayo Clinic Laboratories, Mayo Clinic).

NM_000492.4(CFTR):c.3659C>T (p.Thr1220Ile)

Genes: CFTR (CF transmembrane conductance regulator; plus strand), CFTR-AS2 (CFTR antisense RNA 2; minus strand). Cytogenetic location: 7q31.2.
Variant type: single nucleotide variant.
Coding change: c.3659C>T on transcript NM_000492.4 (MANE Select); coding-DNA position 3659, C replaced by T.
Protein change: p.Thr1220Ile; replaces threonine 1220 with isoleucine.
Molecular consequence: missense variant.
Genome position (GRCh38, 1-based): chr7:117,627,712, C>T. VCF-style: chr7-117627712-C-T. GRCh37 (hg19) VCF-style: chr7-117267766-C-T.
Other names: 3791C/T; short protein forms T1220I.
Identifiers: ClinVar variation 7214 (VCV000007214.50), dbSNP rs1800123, ClinGen allele CA254115.